The following is an entry in ClinVar:

NM_031427.4(DNAL1):c.516del (p.Lys172fs)

Gene: DNAL1 (dynein axonemal light chain 1; plus strand). Cytogenetic location: 14q24.3.
Variant type: Deletion.
Coding change: c.516del on transcript NM_031427.4 (MANE Select); coding-DNA position 516, one base deleted (A; older notation c.516delA).
Protein change: p.Lys172fs; shifts the reading frame from lysine 172.
Molecular consequence: frameshift variant.
Genome position (GRCh38, 1-based): chr14:73,689,499, A deleted; the last of 3 consecutive A bases (chr14:73,689,497-73,689,499); deleting any one gives the same sequence. VCF-style (leftmost placement, unchanged base first): chr14-73689496-CA-C. GRCh37 (hg19) VCF-style: chr14-74156199-CA-C.
Other names: c.399del, p.Lys133fs (NM_001201366.2); short protein forms K133fs, K172fs.
Identifiers: ClinVar variation 2021509 (VCV002021509.4), dbSNP rs1892115085, ClinGen allele CA964692570.

ClinVar aggregate classification (germline): Uncertain significance (1 of 4 stars; one submission).

Conditions:
Primary ciliary dyskinesia 16. Also called: CILIARY DYSKINESIA, PRIMARY, 16, WITH OR WITHOUT SITUS INVERSUS. Identifiers: Orphanet 244, MedGen C3151460, MONDO:0013525, OMIM 614017.

Submission:

Labcorp Genetics (formerly Invitae), Labcorp
Classification: Uncertain significance for Primary ciliary dyskinesia 16. Last evaluated: 2021-12-01. Review status: criteria provided, single submitter. Criteria: Invitae Variant Classification Sherloc (09022015). Collection method: clinical testing. Allele origin: germline.
Comment: This variant is not present in population databases (gnomAD no frequency). In summary, the available evidence is currently insufficient to determine the role of this variant in disease. Therefore, it has been classified as a Variant of Uncertain Significance. Experimental studies and prediction algorithms are not available or were not evaluated, and the functional significance of this variant is currently unknown. This variant has not been reported in the literature in individuals affected with DNAL1-related conditions. This sequence change creates a premature translational stop signal (p.Lys172Asnfs*2) in the DNAL1 gene. While this is not anticipated to result in nonsense mediated decay, it is expected to disrupt the last 19 amino acid(s) of the DNAL1 protein.